The following is an entry in ClinVar:

ClinVar aggregate classification (germline): Uncertain significance (1 of 4 stars; one submission).

Conditions:
Hereditary breast ovarian cancer syndrome. Also called: Hereditary breast and ovarian cancer; BRCA1- and BRCA2-Associated Hereditary Breast and Ovarian Cancer; Hereditary breast and ovarian cancer syndrome; Hereditary breast and ovarian cancer syndrome (HBOC); Breast and ovarian cancer; Hereditary breast and/or ovarian cancer syndrome. Identifiers: Orphanet 145, MedGen C0677776, MeSH D061325, MONDO:0003582. Disease mechanism: loss of function.

Submission:

Labcorp Genetics (formerly Invitae), Labcorp
Classification: Uncertain significance for Hereditary breast ovarian cancer syndrome. Last evaluated: 2025-11-27. Review status: criteria provided, single submitter. Criteria: Invitae Variant Classification Sherloc (09022015). Collection method: clinical testing. Allele origin: germline.
Comment: This variant occurs in a non-coding region of the BRCA1 gene. It does not change the encoded amino acid sequence of the BRCA1 protein. This variant is not present in population databases (gnomAD no frequency). This variant has not been reported in the literature in individuals affected with BRCA1-related conditions. ClinVar contains an entry for this variant (Variation ID: 2831117). Algorithms developed to predict the effect of sequence changes on RNA splicing suggest that this variant may disrupt the consensus splice site. In summary, the available evidence is currently insufficient to determine the role of this variant in disease. Therefore, it has been classified as a Variant of Uncertain Significance.

NM_007294.4(BRCA1):c.-19-11A>G

Gene: BRCA1 (BRCA1 DNA repair associated; minus strand). Cytogenetic location: 17q21.31.
Variant type: single nucleotide variant.
Coding change: c.-19-11A>G on transcript NM_007294.4 (MANE Select); 11 bases into the intron before 19 bases upstream of the start codon, A replaced by G.
Molecular consequence: intron variant. On other transcripts: 5 prime UTR variant (10).
Genome position (GRCh38, 1-based): chr17:43,124,126, T>C on the plus strand (A>G on the coding strand, the complement: BRCA1 is on the minus strand). VCF-style: chr17-43124126-T-C. GRCh37 (hg19) VCF-style: chr17-41276143-T-C.
Other names: c.-19-11A>G (NM_001407990.1, NM_007299.4, NM_001407974.1 and 159 more transcripts); c.-276-11A>G (NM_001407842.1, NM_001407749.1, NM_001408501.1 and 11 more transcripts); c.-323-11A>G (NM_001408492.1, NM_001407889.1); c.-30A>G (NM_001407593.1, NM_001407610.1, NM_001407621.1 and 6 more transcripts); c.-218A>G (NM_001408483.1); c.-61-8347A>G (NM_001408458.1); c.-219+1151A>G (NM_001407967.1); c.-170+1151A>G (NM_001407959.1); and 28 more.
Identifiers: ClinVar variation 2831117 (VCV002831117.3), dbSNP rs2154578352, ClinGen allele CA2739267555.
Genomic context (GRCh38, chr17:43,124,126, plus strand): 5'-CTTCTTCAACGCGAAGAGCAGATAAATCCATTTCTTTCTGTTCCAATGAACTTTAACACA[T>C]TAGAAAAACATATATATATATCTTTTTAAAAGGTTTATAAAATGACAACTTCATTTTATC-3'